The following is an entry in ClinVar:

NM_003072.5(SMARCA4):c.3874-9A>G

Gene: SMARCA4 (SWI/SNF related BAF chromatin remodeling complex subunit ATPase 4; plus strand). Cytogenetic location: 19p13.2.
Variant type: single nucleotide variant.
Coding change: c.3874-9A>G on transcript NM_003072.5 (MANE Select); 9 bases into the intron before coding-DNA position 3874, A replaced by G.
Molecular consequence: intron variant.
Genome position (GRCh38, 1-based): chr19:11,034,114, A>G. VCF-style: chr19-11034114-A-G. GRCh37 (hg19) VCF-style: chr19-11144790-A-G.
Other names: c.3874-9A>G (NM_001128844.3, NM_001128849.3, NM_001387283.1); c.3775-9A>G (NM_001128847.4, NM_001374457.1, NM_001128845.2 and 2 more transcripts).
Identifiers: ClinVar variation 576393 (VCV000576393.10), dbSNP rs1371357028, ClinGen allele CA631763771.

ClinVar aggregate classification (germline): Uncertain significance. Review status: criteria provided, multiple submitters, no conflicts (2 of 4 stars). 2 submissions from 2 submitters: Uncertain significance (2). Last evaluated 2024-11-24.

Conditions:
Rhabdoid tumor predisposition syndrome 2 (RTPS2). Identifiers: Orphanet 231108, Orphanet 69077, MedGen C2750074, MONDO:0013224, OMIM 613325.

Allele frequency attached by ClinVar (database versions not stated): gnomAD 0.00001; gnomAD exomes 0.00001.
gnomAD v4.1: 8 of 1,611,868 alleles (0.0005%); highest among the groups gnomAD compares: Non-Finnish European, 0.00068%; no homozygotes.

Submissions (2):

Labcorp Genetics (formerly Invitae), Labcorp
Classification: Uncertain significance for Rhabdoid tumor predisposition syndrome 2. Last evaluated: 2024-11-24. Review status: criteria provided, single submitter. Criteria: Invitae Variant Classification Sherloc (09022015). Collection method: clinical testing. Allele origin: germline.
Comment: This sequence change falls in intron 27 of the SMARCA4 gene. It does not directly change the encoded amino acid sequence of the SMARCA4 protein. This variant is present in population databases (no rsID available, gnomAD 0.007%). This variant has not been reported in the literature in individuals affected with SMARCA4-related conditions. ClinVar contains an entry for this variant (Variation ID: 576393). Algorithms developed to predict the effect of sequence changes on RNA splicing suggest that this variant may disrupt the consensus splice site. In summary, the available evidence is currently insufficient to determine the role of this variant in disease. Therefore, it has been classified as a Variant of Uncertain Significance.

Baylor Genetics
Classification: Uncertain significance for Rhabdoid tumor predisposition syndrome 2. Last evaluated: 2024-03-29. Review status: criteria provided, single submitter. Criteria: ACMG Guidelines, 2015. Collection method: clinical testing. Allele origin: unknown.